The following is an entry in ClinVar:

ClinVar aggregate classification (germline): Uncertain significance (1 of 4 stars; one submission).

Conditions:
Distal hereditary motor neuropathy type 2. Identifiers: Orphanet 139525, MedGen C3711384, MeSH C580044, MONDO:0015352.

Submission:

Labcorp Genetics (formerly Invitae), Labcorp
Classification: Uncertain significance for Distal hereditary motor neuropathy type 2. Last evaluated: 2021-07-22. Review status: criteria provided, single submitter. Criteria: Invitae Variant Classification Sherloc (09022015). Collection method: clinical testing. Allele origin: germline.
Comment: This variant has not been reported in the literature in individuals affected with FBXO38-related conditions. This variant is not present in population databases (ExAC no frequency). This sequence change replaces valine with phenylalanine at codon 162 of the FBXO38 protein (p.Val162Phe). The valine residue is highly conserved and there is a small physicochemical difference between valine and phenylalanine. Algorithms developed to predict the effect of missense changes on protein structure and function are either unavailable or do not agree on the potential impact of this missense change (SIFT: "Deleterious"; PolyPhen-2: "Probably Damaging"; Align-GVGD: "Class C0"). In summary, the available evidence is currently insufficient to determine the role of this variant in disease. Therefore, it has been classified as a Variant of Uncertain Significance.

NM_205836.3(FBXO38):c.484G>T (p.Val162Phe)

Gene: FBXO38 (F-box protein 38; plus strand). Cytogenetic location: 5q32.
Variant type: single nucleotide variant.
Coding change: c.484G>T on transcript NM_205836.3 (MANE Select); coding-DNA position 484, G replaced by T.
Protein change: p.Val162Phe; replaces valine 162 with phenylalanine.
Molecular consequence: missense variant.
Genome position (GRCh38, 1-based): chr5:148,402,405, G>T. VCF-style: chr5-148402405-G-T. GRCh37 (hg19) VCF-style: chr5-147781968-G-T.
Other names: c.484G>T, p.Val162Phe (NM_001271723.2, NM_030793.5); short protein forms V162F.
Identifiers: ClinVar variation 1449843 (VCV001449843.8), dbSNP rs2113533252, ClinGen allele CA361655144.